The following is an entry in ClinVar:

ClinVar aggregate classification (germline): Benign. Review status: criteria provided, single submitter (1 of 4 stars). 2 submissions from 2 submitters: Benign (1). 1 of the submissions does not count toward it. Last evaluated 2024-10-27.

Conditions:
TENM3-related disorder. Also called: TENM3-related condition.

Allele frequency attached by ClinVar (database versions not stated): gnomAD exomes 0.00008; ExAC 0.00022; ESP Exome Variant Server 0.00049; TOPMed 0.00092; gnomAD 0.00096; 1000 Genomes Project 30x 0.00187; 1000 Genomes Project 0.00200.
gnomAD v4.1: 267 of 1,614,008 alleles (0.017%); highest among the groups gnomAD compares: African/African-American, 0.33%; no homozygotes.

Submissions (2):

Labcorp Genetics (formerly Invitae), Labcorp
Classification: Benign. Last evaluated: 2024-10-27. Review status: criteria provided, single submitter. Criteria: Invitae Variant Classification Sherloc (09022015). Collection method: clinical testing. Allele origin: germline.

PreventionGenetics, part of Exact Sciences
Classification: Likely benign for TENM3-related condition. Last evaluated: 2019-09-19. Review status: no assertion criteria provided. Collection method: clinical testing. Allele origin: germline. Not counted in ClinVar's aggregate classification.
Comment: This variant is classified as likely benign based on ACMG/AMP sequence variant interpretation guidelines (Richards et al. 2015 PMID: 25741868, with internal and published modifications).

NM_001080477.4(TENM3):c.4260A>G (p.Glu1420=)

Gene: TENM3 (teneurin transmembrane protein 3; plus strand). Cytogenetic location: 4q35.1.
Variant type: single nucleotide variant.
Coding change: c.4260A>G on transcript NM_001080477.4 (MANE Select); coding-DNA position 4260, A replaced by G.
Protein change: p.Glu1420=; no amino-acid change (glutamic acid 1420 retained).
Molecular consequence: synonymous variant.
Genome position (GRCh38, 1-based): chr4:182,754,627, A>G. VCF-style: chr4-182754627-A-G. GRCh37 (hg19) VCF-style: chr4-183675780-A-G.
Other names: c.3492A>G, p.Glu1164= (NM_001415960.1); c.3465A>G, p.Glu1155= (NM_001415961.1); c.3462A>G, p.Glu1154= (NM_001415962.1); c.3444A>G, p.Glu1148= (NM_001415963.1); c.3441A>G, p.Glu1147= (NM_001415964.1); c.3978A>G, p.Glu1326= (NM_001415966.1); c.4002A>G, p.Glu1334= (NM_001415967.1); c.4278A>G, p.Glu1426= (NM_001415968.1); and 5 more.
Identifiers: ClinVar variation 2883402 (VCV002883402.5), dbSNP rs80043410, ClinGen allele CA3148405.
Genomic context (GRCh38, chr4:182,754,627, plus strand): 5'-AACACTGGAATCAGCCACTGCCATTGCTGTGTCCTACAGTGGGGTCCTGTACATTACTGA[A>G]ACTGATGAGAAGAAAATTAACCGGATAAGGCAGGTCACAACAGATGGAGAAATCTCCTTA-3'
Protein context (NP_001073946.1, residues 1410-1430): VSYSGVLYIT[Glu1420=]TDEKKINRIR